The following is an entry in ClinVar:

ClinVar aggregate classification (germline): Likely pathogenic (1 of 4 stars; one submission).

Conditions:
Marfan syndrome (MFS). Also called: MARFAN SYNDROME, TYPE I; Marfan syndrome type 1; Marfan's syndrome; FBN1-Related Marfan Syndrome; Marfan syndrome, classic. Identifiers: Orphanet 284963, Orphanet 558, MedGen C0024796, MONDO:0007947, OMIM 154700.

Submission:

Centro de Genética y Biología Molecular, Universidad de San Martín de Porres
Classification: Likely pathogenic for Marfan syndrome. Last evaluated: 2025-01-20. Review status: criteria provided, single submitter. Criteria: ACMG Guidelines, 2015. Collection method: research. Allele origin: germline. Inheritance: Autosomal dominant inheritance. Affected: yes.
Comment: Based on current evidence, and classification criteria (ACMG Guidelines) the change of aminoacid in a highly conserved cysteine domain that forms disulfide bridges, would be disruptive for protein folding. This change is clinically significant as have been noted before,in another change at the same position ((c.4576T>C (p.Cys1526Arg). It suggests that changes on Cys residues disrupt FBN1 protein

NM_000138.5(FBN1):c.4576T>G (p.Cys1526Gly)

Gene: FBN1 (fibrillin 1; minus strand). Cytogenetic location: 15q21.1.
Variant type: single nucleotide variant.
Coding change: c.4576T>G on transcript NM_000138.5 (MANE Select); coding-DNA position 4576, T replaced by G.
Protein change: p.Cys1526Gly; replaces cysteine 1526 with glycine.
Molecular consequence: missense variant.
Genome position (GRCh38, 1-based): chr15:48,468,418, A>C on the plus strand (T>G on the coding strand, the complement: FBN1 is on the minus strand). VCF-style: chr15-48468418-A-C. GRCh37 (hg19) VCF-style: chr15-48760615-A-C.
Other names: c.4576T>G, p.Cys1526Gly (NM_001406716.1); short protein forms C1526G.
Identifiers: ClinVar variation 4075372 (VCV004075372.1).
Genomic context (GRCh38, chr15:48,468,418, plus strand): 5'-TTTCAAAATAATACACAGTATGCTTGCTTCTCTGAAAAGTTTTTAAGGTCTTACCAACAC[A>C]GCCAACTCGAGTTGGGTTCAGTTCAAAATCAGGTGGGCAGTCACAGATATAGCTGCCTGG-3'
Protein context (NP_000129.3, residues 1516-1536): DFELNPTRVG[Cys1526Gly]VDTRSGNCYL